The following is an entry in ClinVar:

ClinVar aggregate classification (germline): Benign/Likely benign. Review status: criteria provided, multiple submitters, no conflicts (2 of 4 stars). 8 submissions from 8 submitters: Benign (7); Likely benign (1). Last evaluated 2026-05-08.

Conditions:
Acrocapitofemoral dysplasia (ACFD). Identifiers: Orphanet 63446, MedGen C1843096, MONDO:0011907, OMIM 607778.
Brachydactyly type A1. Also called: FARABEE-TYPE BRACHYDACTYLY; SHORT STATURE WITH NONSPECIFIC SKELETAL ABNORMALITIES 2. Identifiers: Orphanet 93388, MedGen C1862151, MONDO:0007215, OMIM 112500, HP:0009371.

Allele frequency attached by ClinVar (database versions not stated): ESP Exome Variant Server 0.08403; gnomAD 0.10227 and 0.10242; TOPMed 0.10728; 1000 Genomes Project 30x 0.10790; 1000 Genomes Project 0.11002.
gnomAD v4.1: 159,299 of 1,609,750 alleles (9.9%); highest among the groups gnomAD compares: East Asian, 16%; 8,064 homozygotes.

Submissions (8):

Women's Health and Genetics/Laboratory Corporation of America, LabCorp
Classification: Benign. Last evaluated: 2026-05-08. Review status: criteria provided, single submitter. Criteria: LabCorp Variant Classification Summary - May 2015. Collection method: clinical testing. Allele origin: germline.

Labcorp Genetics (formerly Invitae), Labcorp
Classification: Benign. Last evaluated: 2026-02-04. Review status: criteria provided, single submitter. Criteria: Invitae Variant Classification Sherloc (09022015). Collection method: clinical testing. Allele origin: germline.

Blueprint Genetics
Classification: Likely benign. Last evaluated: 2024-11-26. Review status: criteria provided, single submitter. Criteria: ACMG Guidelines, 2015. Collection method: clinical testing. Allele origin: germline.

Genome-Nilou Lab
Classification: Benign for Acrocapitofemoral dysplasia. Last evaluated: 2021-08-10. Review status: criteria provided, single submitter. Criteria: ACMG Guidelines, 2015. Collection method: clinical testing. Allele origin: germline. Affected: no.

Mayo Clinic Laboratories, Mayo Clinic
Classification: Benign. Last evaluated: 2021-04-07. Review status: criteria provided, single submitter. Criteria: ACMG Guidelines, 2015. Collection method: clinical testing. Allele origin: germline. Observed: 1 variant allele.

GeneDx
Classification: Benign. Last evaluated: 2018-12-19. Review status: criteria provided, single submitter. Criteria: GeneDx Variant Classification Process June 2021. Collection method: clinical testing. Allele origin: germline. Affected: yes.
Comment: This variant is associated with the following publications: (PMID: 14651602)

Illumina Laboratory Services, Illumina
Classification: Benign for Brachydactyly type A1. Last evaluated: 2018-01-13. Review status: criteria provided, single submitter. Criteria: ICSL Variant Classification Criteria 13 December 2019. Collection method: clinical testing. Allele origin: germline.
Comment: This variant was observed in the ICSL laboratory as part of a predisposition screen in an ostensibly healthy population. It had not been previously curated by ICSL or reported in the Human Gene Mutation Database (HGMD: prior to June 1st, 2018), and was therefore a candidate for classification through an automated scoring system. Utilizing variant allele frequency, disease prevalence and penetrance estimates, and inheritance mode, an automated score was calculated to assess if this variant is too frequent to cause the disease. Based on the score and internal cut-off values, a variant classified as benign is not then subjected to further curation. The score for this variant resulted in a classification of benign for this disease.

Breakthrough Genomics
Classification: Benign. Review status: criteria provided, single submitter. Criteria: ACMG Guidelines, 2015. Collection method: not provided. Allele origin: germline. Inheritance: Autosomal recessive inheritance. Affected: yes.

NM_002181.4(IHH):c.600G>A (p.Thr200=)

Gene: IHH (Indian hedgehog signaling molecule; minus strand). Cytogenetic location: 2q35.
Variant type: single nucleotide variant.
Coding change: c.600G>A on transcript NM_002181.4 (MANE Select); coding-DNA position 600, G replaced by A.
Protein change: p.Thr200=; no amino-acid change (threonine 200 retained).
Molecular consequence: synonymous variant.
Genome position (GRCh38, 1-based): chr2:219,055,843, C>T on the plus strand (G>A on the coding strand, the complement: IHH is on the minus strand). VCF-style: chr2-219055843-C-T. GRCh37 (hg19) VCF-style: chr2-219920565-C-T.
Other names: p.Thr200=.
Identifiers: ClinVar variation 334443 (VCV000334443.21), dbSNP rs3731878, ClinGen allele CA2116662.